The following is an entry in ClinVar:

NM_003001.5(SDHC):c.20+118G>A

Gene: SDHC (succinate dehydrogenase complex subunit C; plus strand). Cytogenetic location: 1q23.3.
Variant type: single nucleotide variant.
Coding change: c.20+118G>A on transcript NM_003001.5 (MANE Select); 118 bases into the intron after coding-DNA position 20, G replaced by A.
Molecular consequence: intron variant. On other transcripts: 5 prime UTR variant (1).
Genome position (GRCh38, 1-based): chr1:161,314,543, G>A. VCF-style: chr1-161314543-G-A. GRCh37 (hg19) VCF-style: chr1-161284333-G-A.
Other names: c.-423G>A (NM_001407119.1); c.-210+118G>A (NM_001407120.1); c.20+118G>A (NM_001407115.1, NM_001035511.3, NM_001035512.3 and 6 more transcripts).
Identifiers: ClinVar variation 3316909 (VCV003316909.3).

ClinVar aggregate classification (germline): Uncertain significance (1 of 4 stars; one submission).

Conditions:
Hereditary cancer-predisposing syndrome. Also called: Hereditary neoplastic syndrome; Tumor predisposition; Neoplastic Syndromes, Hereditary; Hereditary Cancer Syndrome. Identifiers: Orphanet 140162, MedGen C0027672, MeSH D009386, MONDO:0015356.

gnomAD v4.1: 4 of 1,285,004 alleles (0.00031%); highest among the groups gnomAD compares: African/African-American, 0.0044%; no homozygotes.

Submission:

Ambry Genetics
Classification: Uncertain significance for Hereditary cancer-predisposing syndrome. Last evaluated: 2026-01-27. Review status: criteria provided, single submitter. Criteria: Ambry Variant Classification Scheme 2023. Collection method: clinical testing. Allele origin: germline.
Comment: The c.20+118G>A intronic variant results from a G to A substitution 118 nucleotides after coding exon 1 in the SDHC gene. This nucleotide position is highly conserved in available vertebrate species. In silico splice site analysis predicts that this alteration will result in the creation or strengthening of a novel splice donor site. RNA studies have demonstrated that this alteration results in a splice defect; the clinical impact of this abnormal splicing is unknown at this time (Ambry internal data). Based on the available evidence, the clinical significance of this variant remains unclear.